The following is an entry in ClinVar:

ClinVar aggregate classification (germline): Pathogenic/Likely pathogenic. Review status: criteria provided, multiple submitters, no conflicts (2 of 4 stars). 2 submissions from 2 submitters: Pathogenic (1); Likely pathogenic (1). Last evaluated 2022-09-06.

Conditions:
Long QT syndrome (LQTS). Identifiers: MedGen C0023976, MeSH D008133, MONDO:0002442. Disease mechanism: loss of function. Inheritance: Various modes of inheritance.

Submissions (2):

GeneDx
Classification: Likely pathogenic. Last evaluated: 2022-09-06. Review status: criteria provided, single submitter. Criteria: GeneDx Variant Classification Process June 2021. Collection method: clinical testing. Allele origin: germline. Affected: yes.
Comment: Has not been previously published as pathogenic or benign to our knowledge; Not observed at significant frequency in large population cohorts (gnomAD); Frameshift variant predicted to result in protein truncation or nonsense mediated decay in a gene for which loss-of-function is a known mechanism of disease

Labcorp Genetics (formerly Invitae), Labcorp
Classification: Pathogenic for Long QT syndrome. Last evaluated: 2018-01-29. Review status: criteria provided, single submitter. Criteria: Invitae Variant Classification Sherloc (09022015). Collection method: clinical testing. Allele origin: germline.
Comment: For these reasons, this variant has been classified as Pathogenic. Loss-of-function variants in KCNQ1 are known to be pathogenic (PMID: 9323054, 19862833). This variant has not been reported in the literature in individuals with KCNQ1-related disease. This variant is not present in population databases (ExAC no frequency). This sequence change creates a premature translational stop signal (p.Thr247Serfs*13) in the KCNQ1 gene. It is expected to result in an absent or disrupted protein product.

Literature cited by the submitters: PubMed 9323054 (cited by Labcorp Genetics (formerly Invitae), Labcorp); PubMed 19862833 (cited by Labcorp Genetics (formerly Invitae), Labcorp).

NM_000218.3(KCNQ1):c.739_748del (p.Thr247fs)

Gene: KCNQ1 (potassium voltage-gated channel subfamily Q member 1; plus strand). Cytogenetic location: 11p15.5.
Variant type: Deletion.
Coding change: c.739_748del on transcript NM_000218.3 (MANE Select); coding-DNA positions 739 to 748, 10 bases deleted (ACCTGGAGGC; older notation c.739_748delACCTGGAGGC).
Protein change: p.Thr247fs; shifts the reading frame from threonine 247.
Molecular consequence: frameshift variant.
Genome position (GRCh38, 1-based): chr11:2,572,068-2,572,077, ACCTGGAGGC deleted; deleting any 10 consecutive bases within chr11:2,572,062-2,572,077 gives the same sequence; the c. name uses the placement nearest the transcript's 3' end. VCF-style (leftmost placement, unchanged base first): chr11-2572061-GGGAGGCACCT-G. GRCh37 (hg19) VCF-style: chr11-2593291-GGGAGGCACCT-G.
Other names: c.739_748delACCTGGAGGC, p.Thr247Serfs (NM_000218.2, NM_001406836.1); c.469_478delACCTGGAGGC, p.Thr157Serfs (NM_001406837.1); c.358_367delACCTGGAGGC, p.Thr120Serfs (NM_181798.2); short protein forms T120fs, T247fs.
Identifiers: ClinVar variation 570590 (VCV000570590.10), dbSNP rs1564820786, ClinGen allele CA891843059.
Genomic context (GRCh38, chr11:2,572,061, plus strand): 5'-TCTCCTTCGCAGGGGCATCCGCTTCCTGCAGATCCTGAGGATGCTACACGTCGACCGCCA[GGGAGGCACCT>G]GGAGGCTCCTGGGCTCCGTGGTCTTCATCCACCGCCAGGTGGGTGGCCCGGGTTAGGGGT-3'